The following is an entry in ClinVar:

NM_001351132.2(PEX5):c.317-2A>G

Gene: PEX5 (peroxisomal biogenesis factor 5; plus strand). Cytogenetic location: 12p13.31.
Variant type: single nucleotide variant.
Coding change: c.317-2A>G on transcript NM_001351132.2 (MANE Select); the canonical splice acceptor site of the intron before coding-DNA position 317, A replaced by G.
Molecular consequence: splice acceptor variant.
Genome position (GRCh38, 1-based): chr12:7,191,567, A>G. VCF-style: chr12-7191567-A-G. GRCh37 (hg19) VCF-style: chr12-7344163-A-G.
Other names: c.317-2A>G (NM_001351124.3, NM_001131026.2, NM_001351131.2 and 19 more transcripts); c.362-2A>G (NM_001351135.3, NM_001131023.2, NM_001351138.2).
Identifiers: ClinVar variation 1511107 (VCV001511107.6), dbSNP rs2135903939, ClinGen allele CA383711833.

ClinVar aggregate classification (germline): Likely pathogenic (1 of 4 stars; one submission).

Conditions:
Peroxisome biogenesis disorder 2B (PBD2B). Identifiers: Orphanet 44, MedGen C3550234, MONDO:0008736, OMIM 202370.

Submission:

Labcorp Genetics (formerly Invitae), Labcorp
Classification: Likely pathogenic for Peroxisome biogenesis disorder 2B. Last evaluated: 2024-02-23. Review status: criteria provided, single submitter. Criteria: Invitae Variant Classification Sherloc (09022015). Collection method: clinical testing. Allele origin: germline.
Comment: This sequence change affects an acceptor splice site in intron 4 of the PEX5 gene. It is expected to disrupt RNA splicing. Variants that disrupt the donor or acceptor splice site typically lead to a loss of protein function (PMID: 16199547), and loss-of-function variants in PEX5 are known to be pathogenic (PMID: 18712838, 21031596). This variant is not present in population databases (gnomAD no frequency). This variant has not been reported in the literature in individuals affected with PEX5-related conditions. ClinVar contains an entry for this variant (Variation ID: 1511107). Algorithms developed to predict the effect of sequence changes on RNA splicing suggest that this variant may disrupt the consensus splice site. In summary, the currently available evidence indicates that the variant is pathogenic, but additional data are needed to prove that conclusively. Therefore, this variant has been classified as Likely Pathogenic.

Literature cited by the submitters: PubMed 16199547; PubMed 18712838; PubMed 21031596.